The following is an entry in ClinVar:

NM_000404.4(GLB1):c.911A>G (p.Asn304Ser)

Gene: GLB1 (galactosidase beta 1; minus strand). Cytogenetic location: 3p22.3.
Variant type: single nucleotide variant.
Coding change: c.911A>G on transcript NM_000404.4 (MANE Select); coding-DNA position 911, A replaced by G.
Protein change: p.Asn304Ser; replaces asparagine 304 with serine.
Molecular consequence: missense variant.
Genome position (GRCh38, 1-based): chr3:33,051,886, T>C on the plus strand (A>G on the coding strand, the complement: GLB1 is on the minus strand). VCF-style: chr3-33051886-T-C. GRCh37 (hg19) VCF-style: chr3-33093378-T-C.
Other names: c.821A>G, p.Asn274Ser (NM_001079811.3); c.518A>G, p.Asn173Ser (NM_001135602.3); c.1055A>G, p.Asn352Ser (NM_001317040.2); c.911A>G, p.Asn304Ser (NM_001393580.1); short protein forms N304S, N173S, N274S, N352S.
Identifiers: ClinVar variation 2086295 (VCV002086295.1), dbSNP rs1223752184, ClinGen allele CA352001158.
Genomic context (GRCh38, chr3:33,051,886, plus strand): 5'-TTCACTGTGAGCCCATGGCTACTGAGGGCACCCTCCCCTCAGGCAATGAACACTCACAAG[T>C]TCACACTCGCCCCACGGGCAAGTATATCATAGAGGGAGGAAGCCACTGCTTCGGTCTTGA-3'
Protein context (NP_000395.3, residues 294-314): YDILARGASV[Asn304Ser]LYMFIGGTNF

ClinVar aggregate classification (germline): Uncertain significance (1 of 4 stars; one submission).

Conditions:
GM1 gangliosidosis. Identifiers: Orphanet 354, MedGen C0085131, MONDO:0018149.
Mucopolysaccharidosis, MPS-IV-B (MPS4B). Also called: MORQUIO SYNDROME B; Mucopolysaccharidosis Type IVB (Morquio B Disease); Mucopolysaccharidosis type IV B; Mucopolysaccharidosis Type IVB; Mucopolysaccharidosis type 4B; Mucopolysaccharidosis type IVB (Morquio). Identifiers: Orphanet 309310, Orphanet 582, MedGen C0086652, MONDO:0009660, OMIM 253010.

Allele frequency attached by ClinVar (database versions not stated): gnomAD exomes 0.00001.
gnomAD v4.1: 3 of 1,614,246 alleles (0.00019%); highest among the groups gnomAD compares: Non-Finnish European, 0.00025%; no homozygotes.

Submission:

Labcorp Genetics (formerly Invitae), Labcorp
Classification: Uncertain significance for Mucopolysaccharidosis, MPS-IV-B; GM1 gangliosidosis. Last evaluated: 2022-04-22. Review status: criteria provided, single submitter. Criteria: Invitae Variant Classification Sherloc (09022015). Collection method: clinical testing. Allele origin: germline.
Comment: This sequence change replaces asparagine, which is neutral and polar, with serine, which is neutral and polar, at codon 304 of the GLB1 protein (p.Asn304Ser). This variant is present in population databases (no rsID available, gnomAD 0.0009%). This variant has not been reported in the literature in individuals affected with GLB1-related conditions. Advanced modeling of protein sequence and biophysical properties (such as structural, functional, and spatial information, amino acid conservation, physicochemical variation, residue mobility, and thermodynamic stability) performed at Invitae indicates that this missense variant is expected to disrupt GLB1 protein function. In summary, the available evidence is currently insufficient to determine the role of this variant in disease. Therefore, it has been classified as a Variant of Uncertain Significance.